The following is an entry in ClinVar:

ClinVar aggregate classification (germline): Likely benign (1 of 4 stars; one submission).

Conditions:
SEMA3G-related disorder. Also called: SEMA3G-related condition.

Submission:

PreventionGenetics, part of Exact Sciences
Classification: Likely benign for SEMA3G-related condition. Last evaluated: 2025-10-26. Review status: criteria provided, single submitter. Criteria: ACMG Guidelines, 2015. Collection method: clinical testing. Allele origin: germline.
Comment: This variant is classified as likely benign based on ACMG/AMP sequence variant interpretation guidelines (Richards et al. 2015 PMID: 25741868, with internal and published modifications).

NM_020163.3(SEMA3G):c.1467+10_1467+25del

Gene: SEMA3G (semaphorin 3G; minus strand). Cytogenetic location: 3p21.1.
Variant type: Deletion.
Coding change: c.1467+10_1467+25del on transcript NM_020163.3 (MANE Select); bases 10 to 25 of the intron after coding-DNA position 1467, 16 bases deleted (GGGCTGATGGAAGGGT).
Molecular consequence: intron variant.
Genome position (GRCh38, 1-based): chr3:52,439,655-52,439,670, ACCCTTCCATCAGCCC deleted on the plus strand (GGGCTGATGGAAGGGT on the coding strand, the reverse complement: SEMA3G is on the minus strand). VCF-style (leftmost placement, unchanged base first): chr3-52439654-GACCCTTCCATCAGCCC-G. GRCh37 (hg19) VCF-style: chr3-52473670-GACCCTTCCATCAGCCC-G.
Identifiers: ClinVar variation 4978240 (VCV004978240.1).